The following is an entry in ClinVar:

NM_153614.4(DNAJB13):c.488G>A (p.Arg163Lys)

Gene: DNAJB13 (DnaJ heat shock protein family (Hsp40) member B13; plus strand). Cytogenetic location: 11q13.4.
Variant type: single nucleotide variant.
Coding change: c.488G>A on transcript NM_153614.4 (MANE Select); coding-DNA position 488, G replaced by A.
Protein change: p.Arg163Lys; replaces arginine 163 with lysine.
Molecular consequence: missense variant.
Genome position (GRCh38, 1-based): chr11:73,965,031, G>A. VCF-style: chr11-73965031-G-A. GRCh37 (hg19) VCF-style: chr11-73676076-G-A.
Other names: c.314G>A, p.Arg105Lys (NM_001377263.1); short protein forms R105K, R163K.
Identifiers: ClinVar variation 1938047 (VCV001938047.3), dbSNP rs374222300, ClinGen allele CA224497264.

ClinVar aggregate classification (germline): Uncertain significance (1 of 4 stars; one submission).

Allele frequency attached by ClinVar (database versions not stated): gnomAD exomes 0.00002; TOPMed 0.00002; ESP Exome Variant Server 0.00008.

Submission:

Labcorp Genetics (formerly Invitae), Labcorp
Classification: Uncertain significance. Last evaluated: 2022-11-22. Review status: criteria provided, single submitter. Criteria: Invitae Variant Classification Sherloc (09022015). Collection method: clinical testing. Allele origin: germline.
Comment: In summary, the available evidence is currently insufficient to determine the role of this variant in disease. Therefore, it has been classified as a Variant of Uncertain Significance. Advanced modeling of protein sequence and biophysical properties (such as structural, functional, and spatial information, amino acid conservation, physicochemical variation, residue mobility, and thermodynamic stability) performed at Invitae indicates that this missense variant is not expected to disrupt DNAJB13 protein function. This variant has not been reported in the literature in individuals affected with DNAJB13-related conditions. This variant is present in population databases (rs374222300, gnomAD 0.003%). This sequence change replaces arginine, which is basic and polar, with lysine, which is basic and polar, at codon 163 of the DNAJB13 protein (p.Arg163Lys).